The following is an entry in ClinVar:

NM_001020658.2(PUM1):c.131C>T (p.Ser44Leu)

Gene: PUM1 (pumilio RNA binding family member 1; minus strand). Cytogenetic location: 1p35.2.
Variant type: single nucleotide variant.
Coding change: c.131C>T on transcript NM_001020658.2 (MANE Select); coding-DNA position 131, C replaced by T.
Protein change: p.Ser44Leu; replaces serine 44 with leucine.
Molecular consequence: missense variant.
Genome position (GRCh38, 1-based): chr1:31,059,436, G>A on the plus strand (C>T on the coding strand, the complement: PUM1 is on the minus strand). VCF-style: chr1-31059436-G-A. GRCh37 (hg19) VCF-style: chr1-31532283-G-A.
Other names: c.131C>T, p.Ser44Leu (NM_014676.3); short protein forms S44L.
Identifiers: ClinVar variation 1678564 (VCV001678564.2), dbSNP rs528903842, ClinGen allele CA729503.

ClinVar aggregate classification (germline): Uncertain significance (1 of 4 stars; one submission).

Conditions:
Spinocerebellar ataxia 47 (NEDMSF). Also called: neurodevelopmental disorder with motor abnormalities, seizures, and facial dysmorphism; PADDAS SYNDROME. Identifiers: Orphanet 642747, MedGen C4693672, MONDO:0033482, OMIM 620719.

Allele frequency attached by ClinVar (database versions not stated): gnomAD 0.00002 and 0.00003; gnomAD exomes 0.00002; TOPMed 0.00002; ExAC 0.00003; 1000 Genomes Project 30x 0.00016; 1000 Genomes Project 0.00020.
gnomAD v4.1: 30 of 1,614,180 alleles (0.0019%); highest among the groups gnomAD compares: South Asian, 0.0099%; no homozygotes.

Submission:

Molecular Genetics, Royal Melbourne Hospital
Classification: Uncertain significance. Last evaluated: 2020-02-07. Review status: criteria provided, single submitter. Criteria: ACMG Guidelines, 2015. Collection method: clinical testing. Allele origin: germline. Affected: yes.
Comment: This sequence change is predicted to replace serine with leucine at codon 44 of the PUM1 protein (p.Ser44Leu). The serine residue is conserved within mammals and birds (100 vertebrates, UCSC), and there is a large physicochemical difference between serine and leucine. It is located in a low complexity region with no known function. The variant is present in a large population cohort at a frequency of 0.002% (rs528903842, 4/251,480 alleles, 0 homozygotes in gnomAD v2.1 - PM2). It has not been reported in the relevant medical literature or databases. Multiple lines of computational evidence predict a benign effect for the missense substitution (5/6 algorithms - BP4). Based on the classification scheme RMH ACMG Guidelines v1.2.1, this variant is classified as VARIANT of UNCERTAIN SIGNIFICANCE. Following criteria are met: BP4.